The following is an entry in ClinVar:

NM_015570.4(AUTS2):c.1738T>C (p.Phe580Leu)

Gene: AUTS2 (activator of transcription and developmental regulator AUTS2; plus strand). Cytogenetic location: 7q11.22.
Variant type: single nucleotide variant.
Coding change: c.1738T>C on transcript NM_015570.4 (MANE Select); coding-DNA position 1738, T replaced by C.
Protein change: p.Phe580Leu; replaces phenylalanine 580 with leucine.
Molecular consequence: missense variant.
Genome position (GRCh38, 1-based): chr7:70,771,552, T>C. VCF-style: chr7-70771552-T-C. GRCh37 (hg19) VCF-style: chr7-70236538-T-C.
Other names: c.1738T>C, p.Phe580Leu (NM_001127231.3); short protein forms F580L.
Identifiers: ClinVar variation 4850873 (VCV004850873.1).

ClinVar aggregate classification (germline): Likely benign (1 of 4 stars; one submission).

Conditions:
Autism spectrum disorder due to AUTS2 deficiency (MRD26). Also called: INTELLECTUAL DEVELOPMENTAL DISORDER, AUTOSOMAL DOMINANT 26. Identifiers: Orphanet 352490, MedGen C4014435, MONDO:0014361, OMIM 615834.

gnomAD v4.1: 1 of 1,610,494 alleles (0.000062%); highest among the groups gnomAD compares: South Asian, 0.0011%; no homozygotes.

Submission:

Centre for Medical Genetics,  Mumbai
Classification: Likely benign for Autism spectrum disorder due to AUTS2 deficiency. Last evaluated: 2026-04-03. Review status: criteria provided, single submitter. Criteria: ACMG Guidelines, 2015. Collection method: provider interpretation. Allele origin: germline. Inheritance: Autosomal dominant inheritance. Affected: no. Observed: 1 variant allele, 1 heterozygote.
Comment: The variant satisfies PM2 criteria; Extremely low frequency in gnomAD population databases. However, the variant satisfies BS2 criteria.

Literature cited by the submitters: PubMed 23332918.